The following is an entry in ClinVar:

ClinVar aggregate classification (germline): Uncertain significance. Review status: criteria provided, multiple submitters, no conflicts (2 of 4 stars). 2 submissions from 2 submitters: Uncertain significance (2). Last evaluated 2025-05-03.

Conditions:
Hereditary cancer-predisposing syndrome. Also called: Hereditary neoplastic syndrome; Neoplastic Syndromes, Hereditary; Tumor predisposition; Hereditary Cancer Syndrome. Identifiers: Orphanet 140162, MedGen C0027672, MeSH D009386, MONDO:0015356.
Familial adenomatous polyposis 1 (FAP1). Also called: FAMILIAL ADENOMATOUS POLYPOSIS 1, ATTENUATED; POLYPOSIS, ADENOMATOUS INTESTINAL. Identifiers: MedGen C2713442, MONDO:0021056, OMIM 175100. Disease mechanism: loss of function.

Allele frequency attached by ClinVar (database versions not stated): gnomAD exomes below 0.00001; ExAC 0.00001.
gnomAD v4.1: 1 of 1,614,076 alleles (0.000062%); highest among the groups gnomAD compares: Admixed American, 0.0017%; no homozygotes.

Submissions (2):

Ambry Genetics
Classification: Uncertain significance for Hereditary cancer-predisposing syndrome. Last evaluated: 2025-05-03. Review status: criteria provided, single submitter. Criteria: Ambry Variant Classification Scheme 2023. Collection method: clinical testing. Allele origin: germline.
Comment: The p.M2221L variant (also known as c.6661A>C), located in coding exon 15 of the APC gene, results from an A to C substitution at nucleotide position 6661. The methionine at codon 2221 is replaced by leucine, an amino acid with highly similar properties. This amino acid position is conserved. In addition, in silico predictors for this gene do not accurately predict pathogenicity. Based on the available evidence, the clinical significance of this variant remains unclear.

Labcorp Genetics (formerly Invitae), Labcorp
Classification: Uncertain significance for Familial adenomatous polyposis 1. Last evaluated: 2024-12-02. Review status: criteria provided, single submitter. Criteria: Invitae Variant Classification Sherloc (09022015). Collection method: clinical testing. Allele origin: germline.
Comment: This sequence change replaces methionine, which is neutral and non-polar, with leucine, which is neutral and non-polar, at codon 2221 of the APC protein (p.Met2221Leu). This variant is present in population databases (rs772397468, gnomAD 0.003%). This variant has not been reported in the literature in individuals affected with APC-related conditions. ClinVar contains an entry for this variant (Variation ID: 1035876). Invitae Evidence Modeling of protein sequence and biophysical properties (such as structural, functional, and spatial information, amino acid conservation, physicochemical variation, residue mobility, and thermodynamic stability) indicates that this missense variant is not expected to disrupt APC protein function with a negative predictive value of 95%. In summary, the available evidence is currently insufficient to determine the role of this variant in disease. Therefore, it has been classified as a Variant of Uncertain Significance.

NM_000038.6(APC):c.6661A>C (p.Met2221Leu)

Gene: APC (APC regulator of Wnt signaling pathway; plus strand). Cytogenetic location: 5q22.2.
Variant type: single nucleotide variant.
Coding change: c.6661A>C on transcript NM_000038.6 (MANE Select); coding-DNA position 6661, A replaced by C.
Protein change: p.Met2221Leu; replaces methionine 2221 with leucine.
Molecular consequence: missense variant.
Genome position (GRCh38, 1-based): chr5:112,842,255, A>C. VCF-style: chr5-112842255-A-C. GRCh37 (hg19) VCF-style: chr5-112177952-A-C.
Other names: c.6661A>C, p.Met2221Leu (NM_001127510.3, NM_001354895.2); c.6607A>C, p.Met2203Leu (NM_001127511.3); c.6715A>C, p.Met2239Leu (NM_001354896.2); c.6691A>C, p.Met2231Leu (NM_001354897.2); c.6586A>C, p.Met2196Leu (NM_001354898.2); c.6577A>C, p.Met2193Leu (NM_001354899.2); c.6538A>C, p.Met2180Leu (NM_001354900.2); c.6484A>C, p.Met2162Leu (NM_001354901.2); and 6 more; short protein forms M1938L, M2120L, M2196L, M2239L, M2061L, M2162L, M2180L, M2193L.
Identifiers: ClinVar variation 1035876 (VCV001035876.11), dbSNP rs772397468, ClinGen allele CA045659.
Genomic context (GRCh38, chr5:112,842,255, plus strand): 5'-GGAAAAGTTCGATCTAATTCAGAAATTTCAGGCCAAATGAAACAGCCCCTTCAAGCAAAC[A>C]TGCCTTCAATCTCTCGAGGCAGGACAATGATTCATATTCCAGGAGTTCGAAATAGCTCCT-3'
Protein context (NP_000029.2, residues 2211-2231): GQMKQPLQAN[Met2221Leu]PSISRGRTMI